The following is an entry in ClinVar:

NM_001003841.3(SLC6A19):c.1173+2T>C

Gene: SLC6A19 (solute carrier family 6 member 19; plus strand). Cytogenetic location: 5p15.33.
Variant type: single nucleotide variant.
Coding change: c.1173+2T>C on transcript NM_001003841.3 (MANE Select); the canonical splice donor site of the intron after coding-DNA position 1173, T replaced by C.
Molecular consequence: splice donor variant.
Genome position (GRCh38, 1-based): chr5:1,216,947, T>C. VCF-style: chr5-1216947-T-C. GRCh37 (hg19) VCF-style: chr5-1217062-T-C.
Identifiers: ClinVar variation 3339144 (VCV003339144.3).

ClinVar aggregate classification (germline): Pathogenic/Likely pathogenic. Review status: criteria provided, multiple submitters, no conflicts (2 of 4 stars). 2 submissions from 2 submitters: Pathogenic (1); Likely pathogenic (1). Last evaluated 2024-07-03.

Conditions:
Neutral 1 amino acid transport defect (HND). Also called: HARTNUP DISORDER; Hartnup disease. Identifiers: Orphanet 2116, MedGen C0018609, MONDO:0009324, OMIM 234500.

gnomAD v4.1: 7 of 1,612,408 alleles (0.00043%); highest among the groups gnomAD compares: African/African-American, 0.004%; no homozygotes.

Submissions (2):

Women's Health and Genetics/Laboratory Corporation of America, LabCorp
Classification: Likely pathogenic for Neutral 1 amino acid transport defect. Last evaluated: 2024-07-03. Review status: criteria provided, single submitter. Criteria: LabCorp Variant Classification Summary - May 2015. Collection method: clinical testing. Allele origin: germline.
Comment: Variant summary: SLC6A19 c.1173+2T>C is located in a canonical splice-site and is predicted to affect mRNA splicing resulting in a significantly altered protein due to either exon skipping, shortening, or inclusion of intronic material. Several computational tools predict a significant impact on normal splicing: Three predict the variant abolishes the canonical 5' splicing donor site. Two predict the variant creates a cryptic 5' donor site. One predict the variant no significant impact on splicing. However, these predictions have yet to be confirmed by functional studies. The variant allele was found at a frequency of 8e-06 in 249668 control chromosomes. To our knowledge, no occurrence of c.1173+2T>C in individuals affected with Hartnup Disease and no experimental evidence demonstrating its impact on protein function have been reported. No submitters have cited clinical-significance assessments for this variant to ClinVar. Based on the evidence outlined above, the variant was classified as likely pathogenic.

Labcorp Genetics (formerly Invitae), Labcorp
Classification: Pathogenic. Last evaluated: 2024-03-02. Review status: criteria provided, single submitter. Criteria: Invitae Variant Classification Sherloc (09022015). Collection method: clinical testing. Allele origin: germline.
Comment: This sequence change affects a donor splice site in intron 8 of the SLC6A19 gene. It is expected to disrupt RNA splicing. Variants that disrupt the donor or acceptor splice site typically lead to a loss of protein function (PMID: 16199547), and loss-of-function variants in SLC6A19 are known to be pathogenic (PMID: 15286787, 15286788). This variant is present in population databases (rs142979576, gnomAD 0.008%). Disruption of this splice site has been observed in individuals with Hartnup disorder (PMID: 15286787, 15286788). Algorithms developed to predict the effect of sequence changes on RNA splicing suggest that this variant may disrupt the consensus splice site. For these reasons, this variant has been classified as Pathogenic.

Literature cited by the submitters: PubMed 16199547 (cited by Labcorp Genetics (formerly Invitae), Labcorp); PubMed 15286787 (cited by Labcorp Genetics (formerly Invitae), Labcorp); PubMed 15286788 (cited by Labcorp Genetics (formerly Invitae), Labcorp).